The following is an entry in ClinVar:

NM_005481.3(MED16):c.1560+6G>T

Gene: MED16 (mediator complex subunit 16; minus strand). Cytogenetic location: 19p13.3.
Variant type: single nucleotide variant.
Coding change: c.1560+6G>T on transcript NM_005481.3 (MANE Select); 6 bases into the intron after coding-DNA position 1560, G replaced by T.
Molecular consequence: intron variant.
Genome position (GRCh38, 1-based): chr19:876,968, C>A on the plus strand (G>T on the coding strand, the complement: MED16 is on the minus strand). VCF-style: chr19-876968-C-A. GRCh37 (hg19) VCF-style: chr19-876968-C-A.
Identifiers: ClinVar variation 2648875 (VCV002648875.24), dbSNP rs2512216264, ClinGen allele CA2695198103.

ClinVar aggregate classification (germline): Uncertain significance (1 of 4 stars; one submission).

Submission:

CeGaT Center for Human Genetics Tuebingen
Classification: Uncertain significance. Last evaluated: 2023-06-01. Review status: criteria provided, single submitter. Criteria: CeGaT Center For Human Genetics Tuebingen Variant Classification Criteria Version 2. Collection method: clinical testing. Allele origin: germline. Affected: yes. Observed: 1 variant allele.
Comment: MED16: PM2, BP4